The following is an entry in ClinVar:

NC_000001.10:g.(?_109428145)_(109817590_?)dup

Genes: CELSR2 (cadherin EGF LAG seven-pass G-type receptor 2; plus strand), CFAP276 (cilia and flagella associated protein 276; minus strand), CLCC1 (chloride channel CLIC like 1; minus strand), ELAPOR1 (endosome-lysosome associated apoptosis and autophagy regulator 1; plus strand), GPSM2 (G protein signaling modulator 2; plus strand) and 4 more. Cytogenetic location: 1p13.3.
Variant type: Duplication.
Identifiers: ClinVar variation 2423588 (VCV002423588.3).

ClinVar aggregate classification (germline): Uncertain significance (1 of 4 stars; one submission).

Submission:

Labcorp Genetics (formerly Invitae), Labcorp
Classification: Uncertain significance. Last evaluated: 2022-10-18. Review status: criteria provided, single submitter. Criteria: Invitae Variant Classification Sherloc (09022015). Collection method: clinical testing. Allele origin: germline.
Comment: A copy number gain of the genomic region encompassing the full coding sequence of the CLCC1 gene has been identified. The boundaries of this event are unknown as they extend beyond the assayed region for this gene and therefore may encompass additional genes. As the precise location of this event is unknown, it may be in tandem or it may be located elsewhere in the genome. This variant has not been reported in the literature in individuals affected with CLCC1-related conditions. In summary, the available evidence is currently insufficient to determine the role of this variant in disease. Therefore, it has been classified as a Variant of Uncertain Significance.